The following is an entry in ClinVar:

ClinVar aggregate classification (germline): Pathogenic (1 of 4 stars; one submission).

Submission:

GeneDx
Classification: Pathogenic. Last evaluated: 2019-08-07. Review status: criteria provided, single submitter. Criteria: GeneDx Variant Classification Process June 2021. Collection method: clinical testing. Allele origin: germline. Affected: yes.
Comment: Nonsense variant predicted to result in protein truncation or nonsense mediated decay in a gene for which loss-of-function is a known mechanism of disease; Not observed in large population cohorts (Lek et al., 2016); This variant is associated with the following publications: (PMID: 29281825)

NM_000548.5(TSC2):c.1761T>G (p.Tyr587Ter)

Gene: TSC2 (TSC complex subunit 2; plus strand). Cytogenetic location: 16p13.3.
Variant type: single nucleotide variant.
Coding change: c.1761T>G on transcript NM_000548.5 (MANE Select); coding-DNA position 1761, T replaced by G.
Protein change: p.Tyr587Ter; replaces tyrosine 587 with a stop codon.
Molecular consequence: nonsense.
Genome position (GRCh38, 1-based): chr16:2,070,500, T>G. VCF-style: chr16-2070500-T-G. GRCh37 (hg19) VCF-style: chr16-2120501-T-G.
Other names: c.1761T>G, p.Tyr587Ter (NM_001077183.3, NM_001114382.3, NM_001363528.2 and 3 more transcripts); c.1650T>G, p.Tyr550Ter (NM_001318827.2); c.1614T>G, p.Tyr538Ter (NM_001318829.2); c.1161T>G, p.Tyr387Ter (NM_001318831.2); c.1794T>G, p.Tyr598Ter (NM_001318832.2); short protein forms Y587*, Y538*, Y387*, Y598*, Y550*.
Identifiers: ClinVar variation 620479 (VCV000620479.3), dbSNP rs753179817, ClinGen allele CA394272854.